The following is an entry in ClinVar:

ClinVar aggregate classification (germline): Pathogenic (1 of 4 stars; one submission).

Allele frequency attached by ClinVar (database versions not stated): gnomAD exomes 0.00001; TOPMed below 0.00001.
gnomAD v4.1: 15 of 1,613,326 alleles (0.00093%); highest among the groups gnomAD compares: Non-Finnish European, 0.0011%; no homozygotes.

Submission:

GeneDx
Classification: Pathogenic. Last evaluated: 2026-01-12. Review status: criteria provided, single submitter. Criteria: GeneDx Variant Classification Process June 2021. Collection method: clinical testing. Allele origin: germline. Affected: yes.
Comment: Canonical splice site variant predicted to result in a null allele in a gene for which loss-of-function is a known mechanism of disease; Not observed at significant frequency in large population cohorts (gnomAD); This variant is associated with the following publications: (PMID: 32067349)

NM_001080510.5(METTL23):c.407+1G>C

Gene: METTL23 (methyltransferase 23, arginine; plus strand). Cytogenetic location: 17q25.1.
Variant type: single nucleotide variant.
Coding change: c.407+1G>C on transcript NM_001080510.5 (MANE Select); the canonical splice donor site of the intron after coding-DNA position 407, G replaced by C.
Molecular consequence: splice donor variant.
Genome position (GRCh38, 1-based): chr17:76,733,378, G>C. VCF-style: chr17-76733378-G-C. GRCh37 (hg19) VCF-style: chr17-74729460-G-C.
Other names: c.407+1G>C (NM_001378349.1, NM_001378348.1, NM_001206983.3 and 2 more transcripts); c.395+1G>C (NM_001378351.1, NM_001378353.1, NM_001378350.1 and 2 more transcripts); c.206+1G>C (NM_001206987.3, NM_001206986.3, NM_001206985.3 and 2 more transcripts).
Identifiers: ClinVar variation 384291 (VCV000384291.3), dbSNP rs1057521913, ClinGen allele CA16607844.